The following is an entry in ClinVar:

ClinVar aggregate classification (germline): Uncertain significance (1 of 4 stars; one submission).

Submission:

GeneDx
Classification: Uncertain significance. Last evaluated: 2025-03-31. Review status: criteria provided, single submitter. Criteria: GeneDx Variant Classification Process June 2021. Collection method: clinical testing. Allele origin: germline. Affected: yes.
Comment: Not observed at significant frequency in large population cohorts (gnomAD); In silico analysis supports that this missense variant has a deleterious effect on protein structure/function; Has not been previously published as pathogenic or benign to our knowledge

NM_170606.3(KMT2C):c.13695G>T (p.Gln4565His)

Gene: KMT2C (lysine methyltransferase 2C; minus strand). Cytogenetic location: 7q36.1.
Variant type: single nucleotide variant.
Coding change: c.13695G>T on transcript NM_170606.3 (MANE Select); coding-DNA position 13695, G replaced by T.
Protein change: p.Gln4565His; replaces glutamine 4565 with histidine.
Molecular consequence: missense variant.
Genome position (GRCh38, 1-based): chr7:152,148,232, C>A on the plus strand (G>T on the coding strand, the complement: KMT2C is on the minus strand). VCF-style: chr7-152148232-C-A. GRCh37 (hg19) VCF-style: chr7-151845317-C-A.
Other names: short protein forms Q4565H.
Identifiers: ClinVar variation 4278819 (VCV004278819.1).